The following is an entry in ClinVar:

NM_007315.4(STAT1):c.1581T>C (p.Leu527=)

Gene: STAT1 (signal transducer and activator of transcription 1; minus strand). Cytogenetic location: 2q32.2.
Variant type: single nucleotide variant.
Coding change: c.1581T>C on transcript NM_007315.4 (MANE Select); coding-DNA position 1581, T replaced by C.
Protein change: p.Leu527=; no amino-acid change (leucine 527 retained).
Molecular consequence: synonymous variant.
Genome position (GRCh38, 1-based): chr2:190,982,384, A>G on the plus strand (T>C on the coding strand, the complement: STAT1 is on the minus strand). VCF-style: chr2-190982384-A-G. GRCh37 (hg19) VCF-style: chr2-191847110-A-G.
Other names: c.1521T>C, p.Leu507= (NM_001384880.1); c.1587T>C, p.Leu529= (NM_001384881.1, NM_001384884.1); c.1575T>C, p.Leu525= (NM_001384882.1); c.1482T>C, p.Leu494= (NM_001384883.1); c.1422T>C, p.Leu474= (NM_001384885.1); c.1581T>C, p.Leu527= (NM_001384886.1, NM_001384889.1, NM_139266.3); c.1488T>C, p.Leu496= (NM_001384887.1); c.1551T>C, p.Leu517= (NM_001384888.1); and 2 more.
Identifiers: ClinVar variation 3759876 (VCV003759876.2).

ClinVar aggregate classification (germline): Uncertain significance (1 of 4 stars; one submission).

Conditions:
Mendelian susceptibility to mycobacterial diseases due to partial STAT1 deficiency. Also called: IMMUNODEFICIENCY 31A, MYCOBACTERIOSIS, AUTOSOMAL DOMINANT; STAT1 DEFICIENCY, AUTOSOMAL DOMINANT; Immunodeficiency 31a. Identifiers: Orphanet 319595, MedGen C4013950, MONDO:0013956, OMIM 614892.
Immunodeficiency 31B. Also called: STAT1 DEFICIENCY, AUTOSOMAL RECESSIVE; IMMUNODEFICIENCY 31B, MYCOBACTERIAL AND VIRAL INFECTIONS, AUTOSOMAL RECESSIVE. Identifiers: Orphanet 391311, MedGen C3151088, MONDO:0013427, OMIM 613796.
Autoimmune enteropathy and endocrinopathy - susceptibility to chronic infections syndrome. Also called: Immunodeficiency 31C, autosomal dominant; Immunodeficiency 31C. Identifiers: Orphanet 391487, MedGen C3279990, MONDO:0013599, OMIM 614162.

Submission:

Labcorp Genetics (formerly Invitae), Labcorp
Classification: Uncertain significance for Mendelian susceptibility to mycobacterial diseases due to partial STAT1 deficiency; Immunodeficiency 31B; Autoimmune enteropathy and endocrinopathy - susceptibility to chronic infections syndrome. Last evaluated: 2024-11-29. Review status: criteria provided, single submitter. Criteria: Invitae Variant Classification Sherloc (09022015). Collection method: clinical testing. Allele origin: germline.
Comment: This sequence change affects codon 527 of the STAT1 mRNA. It is a 'silent' change, meaning that it does not change the encoded amino acid sequence of the STAT1 protein. It affects a nucleotide within the consensus splice site. This variant is not present in population databases (gnomAD no frequency). This variant has not been reported in the literature in individuals affected with STAT1-related conditions. Algorithms developed to predict the effect of sequence changes on RNA splicing suggest that this variant is not likely to affect RNA splicing. In summary, the available evidence is currently insufficient to determine the role of this variant in disease. Therefore, it has been classified as a Variant of Uncertain Significance.